The following is an entry in ClinVar:

NM_000291.4(PGK1):c.810G>A (p.Met270Ile)

Gene: PGK1 (phosphoglycerate kinase 1; plus strand). Cytogenetic location: Xq21.1.
Variant type: single nucleotide variant.
Coding change: c.810G>A on transcript NM_000291.4 (MANE Select); coding-DNA position 810, G replaced by A.
Protein change: p.Met270Ile; replaces methionine 270 with isoleucine.
Molecular consequence: missense variant.
Genome position (GRCh38, 1-based): chrX:78,123,248, G>A. VCF-style: chrX-78123248-G-A. GRCh37 (hg19) VCF-style: chrX-77378745-G-A.
Other names: short protein forms M270I.
Identifiers: ClinVar variation 4810809 (VCV004810809.1).

ClinVar aggregate classification (germline): Uncertain significance (1 of 4 stars; one submission).

gnomAD v4.1: 1 of 1,205,027 alleles (0.000083%); highest among the groups gnomAD compares: Non-Finnish European, 0.00011%; no homozygotes.

Submission:

Labcorp Genetics (formerly Invitae), Labcorp
Classification: Uncertain significance. Last evaluated: 2025-04-14. Review status: criteria provided, single submitter. Criteria: Invitae Variant Classification Sherloc (09022015). Collection method: clinical testing. Allele origin: germline.
Comment: This sequence change replaces methionine, which is neutral and non-polar, with isoleucine, which is neutral and non-polar, at codon 270 of the PGK1 protein (p.Met270Ile). This variant is not present in population databases (gnomAD no frequency). This variant has not been reported in the literature in individuals affected with PGK1-related conditions. Invitae Evidence Modeling of protein sequence and biophysical properties (such as structural, functional, and spatial information, amino acid conservation, physicochemical variation, residue mobility, and thermodynamic stability) indicates that this missense variant is not expected to disrupt PGK1 protein function with a negative predictive value of 80%. In summary, the available evidence is currently insufficient to determine the role of this variant in disease. Therefore, it has been classified as a Variant of Uncertain Significance.